The following is an entry in ClinVar:

NM_004341.5(CAD):c.601A>G (p.Thr201Ala)

Gene: CAD (carbamoyl-phosphate synthetase 2, aspartate transcarbamylase, and dihydroorotase; plus strand). Cytogenetic location: 2p23.3.
Variant type: single nucleotide variant.
Coding change: c.601A>G on transcript NM_004341.5 (MANE Select); coding-DNA position 601, A replaced by G.
Protein change: p.Thr201Ala; replaces threonine 201 with alanine.
Molecular consequence: missense variant.
Genome position (GRCh38, 1-based): chr2:27,222,624, A>G. VCF-style: chr2-27222624-A-G. GRCh37 (hg19) VCF-style: chr2-27445492-A-G.
Other names: c.601A>G, p.Thr201Ala (NM_001306079.2); short protein forms T201A.
Identifiers: ClinVar variation 2003593 (VCV002003593.4), dbSNP rs2465289002, ClinGen allele CA346199966.
Genomic context (GRCh38, chr2:27,222,624, plus strand): 5'-TTGGACTGTGGCCTCAAGTATAATCAGATCCGATGCCTCTGCCAGCGTGGGGCTGAGGTC[A>G]CTGTGGTACCCTGGGACCATGCACTAGACAGCCAAGGTGAGTAGCTGGGGCCTGTTCAGG-3'
Protein context (NP_004332.2, residues 191-211): RCLCQRGAEV[Thr201Ala]VVPWDHALDS

ClinVar aggregate classification (germline): Uncertain significance (1 of 4 stars; one submission).

Allele frequency attached by ClinVar (database versions not stated): gnomAD exomes below 0.00001.
gnomAD v4.1: 1 of 1,614,070 alleles (0.000062%); highest among the groups gnomAD compares: Non-Finnish European, 0.000085%; no homozygotes.

Submission:

Labcorp Genetics (formerly Invitae), Labcorp
Classification: Uncertain significance. Last evaluated: 2024-09-16. Review status: criteria provided, single submitter. Criteria: Invitae Variant Classification Sherloc (09022015). Collection method: clinical testing. Allele origin: germline.
Comment: This sequence change replaces threonine, which is neutral and polar, with alanine, which is neutral and non-polar, at codon 201 of the CAD protein (p.Thr201Ala). This variant is not present in population databases (gnomAD no frequency). This variant has not been reported in the literature in individuals affected with CAD-related conditions. ClinVar contains an entry for this variant (Variation ID: 2003593). An algorithm developed to predict the effect of missense changes on protein structure and function (PolyPhen-2) suggests that this variant is likely to be disruptive. In summary, the available evidence is currently insufficient to determine the role of this variant in disease. Therefore, it has been classified as a Variant of Uncertain Significance.